The following is an entry in ClinVar:

NM_004304.5(ALK):c.2207T>C (p.Ile736Thr)

Gene: ALK (ALK receptor tyrosine kinase; minus strand). Cytogenetic location: 2p23.2.
Variant type: single nucleotide variant.
Coding change: c.2207T>C on transcript NM_004304.5 (MANE Select); coding-DNA position 2207, T replaced by C.
Protein change: p.Ile736Thr; replaces isoleucine 736 with threonine.
Molecular consequence: missense variant.
Genome position (GRCh38, 1-based): chr2:29,239,828, A>G on the plus strand (T>C on the coding strand, the complement: ALK is on the minus strand). VCF-style: chr2-29239828-A-G. GRCh37 (hg19) VCF-style: chr2-29462694-A-G.
Other names: short protein forms I736T.
Identifiers: ClinVar variation 1063979 (VCV001063979.9), dbSNP rs2148188895, ClinGen allele CA346474807.
Genomic context (GRCh38, chr2:29,239,828, plus strand): 5'-CCGTGGGACCGCATCATGGTGTTCTTCCCGCCTTTCCCGCCAGCAGCTCCGTAGCCCGAG[A>G]TGCTGCAATGGGACAAAGAACGTTGGCTCCCGCTGTGGTATGAAGACTGTCCCCCTTCCT-3'
Protein context (NP_004295.2, residues 726-746): WKVPATDTYS[Ile736Thr]SGYGAAGGKG

ClinVar aggregate classification (germline): Uncertain significance (1 of 4 stars; one submission).

Conditions:
Neuroblastoma, susceptibility to, 3. Also called: ALK-Related Neuroblastic Tumor Susceptibility. Identifiers: Orphanet 635, MedGen C2751681, MONDO:0013083, OMIM 613014.

Submission:

Labcorp Genetics (formerly Invitae), Labcorp
Classification: Uncertain significance for Neuroblastoma, susceptibility to, 3. Last evaluated: 2023-01-25. Review status: criteria provided, single submitter. Criteria: Invitae Variant Classification Sherloc (09022015). Collection method: clinical testing. Allele origin: germline.
Comment: ClinVar contains an entry for this variant (Variation ID: 1063979). This variant has not been reported in the literature in individuals affected with ALK-related conditions. This variant is not present in population databases (gnomAD no frequency). This sequence change replaces isoleucine, which is neutral and non-polar, with threonine, which is neutral and polar, at codon 736 of the ALK protein (p.Ile736Thr). Algorithms developed to predict the effect of missense changes on protein structure and function are either unavailable or do not agree on the potential impact of this missense change (SIFT: "Deleterious"; PolyPhen-2: "Benign"; Align-GVGD: "Class C65"). In summary, the available evidence is currently insufficient to determine the role of this variant in disease. Therefore, it has been classified as a Variant of Uncertain Significance.